The following is an entry in ClinVar:

NM_003896.4(ST3GAL5):c.385A>G (p.Met129Val)

Gene: ST3GAL5 (ST3 beta-galactoside alpha-2,3-sialyltransferase 5; minus strand). Cytogenetic location: 2p11.2.
Variant type: single nucleotide variant.
Coding change: c.385A>G on transcript NM_003896.4 (MANE Select); coding-DNA position 385, A replaced by G.
Protein change: p.Met129Val; replaces methionine 129 with valine.
Molecular consequence: missense variant. On other transcripts: initiator codon variant (6), 5 prime UTR variant (1).
Genome position (GRCh38, 1-based): chr2:85,848,138, T>C on the plus strand (A>G on the coding strand, the complement: ST3GAL5 is on the minus strand). VCF-style: chr2-85848138-T-C. GRCh37 (hg19) VCF-style: chr2-86075261-T-C.
Other names: c.316A>G, p.Met106Val (NM_001042437.2); c.1A>G, p.Met1Val (NM_001354223.2, NM_001354224.2, NM_001354226.2 and 3 more transcripts); c.301A>G, p.Met101Val (NM_001354227.2, NM_001354229.2, NM_001354238.1); c.-520A>G (NM_001354247.1); c.385A>G, p.Met129Val (NM_001363847.1); short protein forms M106V, M1V, M101V, M129V.
Identifiers: ClinVar variation 1524195 (VCV001524195.4), dbSNP rs374363945, ClinGen allele CA1745051.

ClinVar aggregate classification (germline): Uncertain significance (1 of 4 stars; one submission).

Conditions:
GM3 synthase deficiency (SPDRS). Also called: SALT AND PEPPER DEVELOPMENTAL REGRESSION SYNDROME; AMISH INFANTILE EPILEPSY SYNDROME; SALT AND PEPPER MENTAL RETARDATION SYNDROME. Identifiers: Orphanet 171714, Orphanet 370933, MedGen C1836824, MONDO:0018274, OMIM 609056.

Allele frequency attached by ClinVar (database versions not stated): ExAC 0.00002; gnomAD exomes 0.00003; TOPMed 0.00003; gnomAD 0.00004; ESP Exome Variant Server 0.00008.

Submission:

Labcorp Genetics (formerly Invitae), Labcorp
Classification: Uncertain significance for GM3 synthase deficiency. Last evaluated: 2022-08-05. Review status: criteria provided, single submitter. Criteria: Invitae Variant Classification Sherloc (09022015). Collection method: clinical testing. Allele origin: germline.
Comment: This sequence change replaces methionine, which is neutral and non-polar, with valine, which is neutral and non-polar, at codon 129 of the ST3GAL5 protein (p.Met129Val). This variant is present in population databases (rs374363945, gnomAD 0.05%). This variant has not been reported in the literature in individuals affected with ST3GAL5-related conditions. ClinVar contains an entry for this variant (Variation ID: 1524195). Algorithms developed to predict the effect of missense changes on protein structure and function are either unavailable or do not agree on the potential impact of this missense change (SIFT: "Deleterious"; PolyPhen-2: "Possibly Damaging"; Align-GVGD: "Class C15"). In summary, the available evidence is currently insufficient to determine the role of this variant in disease. Therefore, it has been classified as a Variant of Uncertain Significance.